The following is an entry in ClinVar:

ClinVar aggregate classification (germline): Uncertain significance (1 of 4 stars; one submission).

Conditions:
Spastic paraplegia. Identifiers: MedGen C0037772, HP:0001258.

Allele frequency attached by ClinVar (database versions not stated): gnomAD exomes below 0.00001.
gnomAD v4.1: 1 of 1,614,142 alleles (0.000062%); highest among the groups gnomAD compares: Admixed American, 0.0017%; no homozygotes.

Submission:

Labcorp Genetics (formerly Invitae), Labcorp
Classification: Uncertain significance for Spastic paraplegia. Last evaluated: 2024-04-17. Review status: criteria provided, single submitter. Criteria: Invitae Variant Classification Sherloc (09022015). Collection method: clinical testing. Allele origin: germline.
Comment: This sequence change replaces lysine, which is basic and polar, with threonine, which is neutral and polar, at codon 873 of the KIF5A protein (p.Lys873Thr). This variant is not present in population databases (gnomAD no frequency). This variant has not been reported in the literature in individuals affected with KIF5A-related conditions. Advanced modeling of protein sequence and biophysical properties (such as structural, functional, and spatial information, amino acid conservation, physicochemical variation, residue mobility, and thermodynamic stability) has been performed at Invitae for this missense variant, however the output from this modeling did not meet the statistical confidence thresholds required to predict the impact of this variant on KIF5A protein function. In summary, the available evidence is currently insufficient to determine the role of this variant in disease. Therefore, it has been classified as a Variant of Uncertain Significance.

NM_004984.4(KIF5A):c.2618A>C (p.Lys873Thr)

Gene: KIF5A (kinesin family member 5A; plus strand). Cytogenetic location: 12q13.3.
Variant type: single nucleotide variant.
Coding change: c.2618A>C on transcript NM_004984.4 (MANE Select); coding-DNA position 2618, A replaced by C.
Protein change: p.Lys873Thr; replaces lysine 873 with threonine.
Molecular consequence: missense variant.
Genome position (GRCh38, 1-based): chr12:57,581,035, A>C. VCF-style: chr12-57581035-A-C. GRCh37 (hg19) VCF-style: chr12-57974818-A-C.
Other names: c.2351A>C, p.Lys784Thr (NM_001354705.2); short protein forms K784T, K873T.
Identifiers: ClinVar variation 2776956 (VCV002776956.3), dbSNP rs2540514669, ClinGen allele CA385515136.